The following is an entry in ClinVar:

NM_004612.4(TGFBR1):c.1138_1139delinsTT (p.Ala380Phe)

Gene: TGFBR1 (transforming growth factor beta receptor 1; plus strand). Cytogenetic location: 9q22.33.
Variant type: Indel.
Coding change: c.1138_1139delinsTT on transcript NM_004612.4 (MANE Select); coding-DNA positions 1138 to 1139, GC replaced by TT.
Protein change: p.Ala380Phe; replaces alanine 380 with phenylalanine.
Molecular consequence: missense variant.
Genome position (GRCh38, 1-based): chr9:99,146,492-99,146,493, GC replaced by TT. VCF-style: chr9-99146492-GC-TT. GRCh37 (hg19) VCF-style: chr9-101908774-GC-TT.
Other names: c.907_908delinsTT, p.Ala303Phe (NM_001130916.3); c.1150_1151delinsTT, p.Ala384Phe (NM_001306210.2); c.982_983delGCinsTT, p.Ala328Phe (NM_001407416.1); c.970_971delGCinsTT, p.Ala324Phe (NM_001407417.1); c.943_944delGCinsTT, p.Ala315Phe (NM_001407418.1, NM_001407419.1, NM_001407420.1 and 1 more transcripts); c.931_932delGCinsTT, p.Ala311Phe (NM_001407423.1, NM_001407424.1, NM_001407425.1 and 8 more transcripts); c.907_908delGCinsTT, p.Ala303Phe (NM_001407435.1); c.892_893delGCinsTT, p.Ala298Phe (NM_001407436.1); and 2 more; short protein forms A221F, A324F, A384F, A144F, A303F, A311F, A328F, A380F.
Identifiers: ClinVar variation 1730206 (VCV001730206.2), dbSNP rs2490249628, ClinGen allele CA2580080866.

ClinVar aggregate classification (germline): Uncertain significance (1 of 4 stars; one submission).

Conditions:
Familial thoracic aortic aneurysm and aortic dissection (TAAD). Also called: Thoracic aortic aneurysms and dissections. Identifiers: Orphanet 91387, MedGen C4707243, MONDO:0019625.

Submission:

Ambry Genetics
Classification: Uncertain significance for Familial thoracic aortic aneurysm and aortic dissection. Last evaluated: 2021-06-15. Review status: criteria provided, single submitter. Criteria: Ambry Variant Classification Scheme 2023. Collection method: clinical testing. Allele origin: germline.
Comment: The c.1138_1139delGCinsTT variant (also known as p.A380F), located in coding exon 7 of the TGFBR1 gene, results from an in-frame deletion of GC and insertion of TT at nucleotide positions 1138 to 1139. This results in the substitution of the alanine residue for a phenylalanine residue at codon 380, an amino acid with dissimilar properties. This amino acid position is highly conserved in available vertebrate species. In addition, the in silico prediction for this alteration is inconclusive (Choi Y et al. PLoS ONE. 2012; 7(10):e46688). Since supporting evidence is limited at this time, the clinical significance of this alteration remains unclear.